The following is an entry in ClinVar:

NM_016616.5(NME8):c.82G>A (p.Gly28Ser)

Gene: NME8 (NME/NM23 family member 8; plus strand). Cytogenetic location: 7p14.1.
Variant type: single nucleotide variant.
Coding change: c.82G>A on transcript NM_016616.5 (MANE Select); coding-DNA position 82, G replaced by A.
Protein change: p.Gly28Ser; replaces glycine 28 with serine.
Molecular consequence: missense variant.
Genome position (GRCh38, 1-based): chr7:37,850,426, G>A. VCF-style: chr7-37850426-G-A. GRCh37 (hg19) VCF-style: chr7-37890028-G-A.
Other names: short protein forms G28S.
Identifiers: ClinVar variation 2414540 (VCV002414540.6), dbSNP rs780172047, ClinGen allele CA367219131.

ClinVar aggregate classification (germline): Uncertain significance (1 of 4 stars; one submission).

Conditions:
Primary ciliary dyskinesia 6. Also called: Primary Ciliary Dyskinesia 6: TXNDC3-Related Primary Ciliary Dyskinesia. Identifiers: Orphanet 244, MedGen C1970506, MONDO:0012571, OMIM 610852.

Submission:

Labcorp Genetics (formerly Invitae), Labcorp
Classification: Uncertain significance for Primary ciliary dyskinesia 6. Last evaluated: 2022-10-13. Review status: criteria provided, single submitter. Criteria: Invitae Variant Classification Sherloc (09022015). Collection method: clinical testing. Allele origin: germline.
Comment: This sequence change replaces glycine, which is neutral and non-polar, with serine, which is neutral and polar, at codon 28 of the NME8 protein (p.Gly28Ser). In summary, the available evidence is currently insufficient to determine the role of this variant in disease. Therefore, it has been classified as a Variant of Uncertain Significance. Advanced modeling of protein sequence and biophysical properties (such as structural, functional, and spatial information, amino acid conservation, physicochemical variation, residue mobility, and thermodynamic stability) performed at Invitae indicates that this missense variant is expected to disrupt NME8 protein function. This variant has not been reported in the literature in individuals affected with NME8-related conditions. This variant is not present in population databases (gnomAD no frequency).